The following is an entry in ClinVar:

NM_000083.3(CLCN1):c.1454T>A (p.Met485Lys)

Gene: CLCN1 (chloride voltage-gated channel 1; plus strand). Cytogenetic location: 7q34.
Variant type: single nucleotide variant.
Coding change: c.1454T>A on transcript NM_000083.3 (MANE Select); coding-DNA position 1454, T replaced by A.
Protein change: p.Met485Lys; replaces methionine 485 with lysine.
Molecular consequence: missense variant. On other transcripts: non-coding transcript variant (1).
Genome position (GRCh38, 1-based): chr7:143,339,305, T>A. VCF-style: chr7-143339305-T-A. GRCh37 (hg19) VCF-style: chr7-143036398-T-A.
Other names: short protein forms M485K.
Identifiers: ClinVar variation 2934639 (VCV002934639.3), dbSNP rs1586507590, ClinGen allele CA369645402.

ClinVar aggregate classification (germline): Likely pathogenic (1 of 4 stars; one submission).

Conditions:
Congenital myotonia, autosomal dominant form (THD). Also called: THOMSEN DISEASE; Myotonia congenita autosomal dominant. Identifiers: Orphanet 614, MedGen C2936781, MONDO:0008055, OMIM 160800.
Congenital myotonia, autosomal recessive form. Also called: BECKER DISEASE; Becker Generalized Myotonia; myotonia congenita, autosomal recessive. Identifiers: Orphanet 614, MedGen C0751360, MONDO:0009715, OMIM 255700.

Allele frequency attached by ClinVar (database versions not stated): TOPMed below 0.00001.

Submission:

Labcorp Genetics (formerly Invitae), Labcorp
Classification: Likely pathogenic for Congenital myotonia, autosomal recessive form; Congenital myotonia, autosomal dominant form. Last evaluated: 2024-11-27. Review status: criteria provided, single submitter. Criteria: Invitae Variant Classification Sherloc (09022015). Collection method: clinical testing. Allele origin: germline.
Comment: This sequence change replaces methionine, which is neutral and non-polar, with lysine, which is basic and polar, at codon 485 of the CLCN1 protein (p.Met485Lys). This variant is not present in population databases (gnomAD no frequency). This missense change has been observed in individual(s) with autosomal recessive myotonia congenita (PMID: 34529042). ClinVar contains an entry for this variant (Variation ID: 2934639). Invitae Evidence Modeling of protein sequence and biophysical properties (such as structural, functional, and spatial information, amino acid conservation, physicochemical variation, residue mobility, and thermodynamic stability) indicates that this missense variant is expected to disrupt CLCN1 protein function with a positive predictive value of 95%. This variant disrupts the p.Met485 amino acid residue in CLCN1. Other variant(s) that disrupt this residue have been determined to be pathogenic (PMID: 8533761, 9736777, 17932099, 18337100, 22094069, 24037712, 24349310). This suggests that this residue is clinically significant, and that variants that disrupt this residue are likely to be disease-causing. In summary, the currently available evidence indicates that the variant is pathogenic, but additional data are needed to prove that conclusively. Therefore, this variant has been classified as Likely Pathogenic.

Literature cited by the submitters: PubMed 34529042; PubMed 8533761; PubMed 9736777; PubMed 17932099; PubMed 18337100; PubMed 22094069; PubMed 24037712; PubMed 24349310.